The following is an entry in ClinVar:

ClinVar aggregate classification (germline): Uncertain significance (1 of 4 stars; one submission).

Conditions:
Inborn genetic diseases. Identifiers: MedGen C0950123, MeSH D030342.

Submission:

Ambry Genetics
Classification: Uncertain significance for Inborn genetic diseases. Last evaluated: 2024-10-15. Review status: criteria provided, single submitter. Criteria: Ambry Variant Classification Scheme 2023. Collection method: clinical testing. Allele origin: germline.
Comment: The c.1861A>G (p.K621E) alteration is located in exon 5 (coding exon 5) of the UBE3A gene. This alteration results from an A to G substitution at nucleotide position 1861, causing the lysine (K) at amino acid position 621 to be replaced by a glutamic acid (E). This variant was not reported in population-based cohorts in the Genome Aggregation Database (gnomAD). This amino acid position is highly conserved in available vertebrate species. This missense alteration is located in a region that has a low rate of benign missense variation (Lek, 2016; Firth, 2009). This alteration is predicted to be tolerated by in silico analysis. Based on insufficient or conflicting evidence, the clinical significance of this alteration remains unclear.

NM_130839.5(UBE3A):c.1921A>G (p.Lys641Glu)

Genes: SNHG14 (small nucleolar RNA host gene 14; plus strand), UBE3A (ubiquitin protein ligase E3A; minus strand). Cytogenetic location: 15q11.2.
Variant type: single nucleotide variant.
Coding change: c.1921A>G on transcript NM_130839.5 (MANE Select); coding-DNA position 1921, A replaced by G.
Protein change: p.Lys641Glu; replaces lysine 641 with glutamic acid.
Molecular consequence: missense variant. On other transcripts: non-coding transcript variant (1).
Genome position (GRCh38, 1-based): chr15:25,356,729, T>C on the plus strand (A>G on the coding strand, the complement: UBE3A is on the minus strand). VCF-style: chr15-25356729-T-C. GRCh37 (hg19) VCF-style: chr15-25601876-T-C.
Other names: c.1861A>G, p.Lys621Glu (NM_001354549.2, NM_001374461.1, NM_130838.4 and 17 more transcripts); c.670A>G, p.Lys224Glu (NM_001354550.2); c.610A>G, p.Lys204Glu (NM_001354551.2); c.1930A>G, p.Lys644Glu (NM_000462.5); c.1921A>G, p.Lys641Glu (NM_001354505.1, NM_001354538.2, NM_001354545.2); c.1744A>G, p.Lys582Glu (NM_001354546.2); short protein forms K641E, K644E, K224E, K621E, K204E, K582E.
Identifiers: ClinVar variation 3465128 (VCV003465128.1).
Genomic context (GRCh38, chr15:25,356,729, plus strand): 5'-AAAAAAATGACAAAGAACTTACTGGGTGAGAGTCTCCCAAGTCACGAAAAGTTCCTTTTT[T>C]CCCCATTAGCTTCCTGTAGACAACCATGGGAAAATGTACATCCAGTATACAGTTATTGTA-3'
Protein context (NP_570854.1, residues 631-651): PMVVYRKLMG[Lys641Glu]KGTFRDLGDS